The following is an entry in ClinVar:

ClinVar aggregate classification (germline): Likely benign (1 of 4 stars; one submission).

Allele frequency attached by ClinVar (database versions not stated): gnomAD 0.00001; gnomAD exomes 0.00003; TOPMed 0.00004; ExAC 0.00008.
gnomAD v4.1: 55 of 1,604,004 alleles (0.0034%); highest among the groups gnomAD compares: South Asian, 0.0099%; 2 homozygotes.

Submission:

CeGaT Center for Human Genetics Tuebingen
Classification: Likely benign. Last evaluated: 2022-12-01. Review status: criteria provided, single submitter. Criteria: CeGaT Center For Human Genetics Tuebingen Variant Classification Criteria Version 2. Collection method: clinical testing. Allele origin: germline. Affected: yes. Observed: 2 variant alleles.
Comment: PRAMEF2: BP4, BP7

NM_023014.1(PRAMEF2):c.1251G>A (p.Glu417=)

Gene: PRAMEF2 (PRAME family member 2; plus strand). Cytogenetic location: 1p36.21.
Variant type: single nucleotide variant.
Coding change: c.1251G>A on transcript NM_023014.1 (MANE Select); coding-DNA position 1251, G replaced by A.
Protein change: p.Glu417=; no amino-acid change (glutamic acid 417 retained).
Molecular consequence: synonymous variant.
Genome position (GRCh38, 1-based): chr1:12,861,605, G>A. VCF-style: chr1-12861605-G-A. GRCh37 (hg19) VCF-style: chr1-12921460-G-A.
Identifiers: ClinVar variation 2638271 (VCV002638271.24), dbSNP rs778190625, ClinGen allele CA608344.